The following is an entry in ClinVar:

ClinVar aggregate classification (germline): Conflicting classifications of pathogenicity. Review status: criteria provided, conflicting classifications (1 of 4 stars). 2 submissions from 2 submitters: Uncertain significance (1); Likely benign (1). Last evaluated 2025-07-05.

Conditions:
Inborn genetic diseases. Identifiers: MedGen C0950123, MeSH D030342.

Allele frequency attached by ClinVar (database versions not stated): gnomAD exomes below 0.00001.
gnomAD v4.1: 2 of 1,488,262 alleles (0.00013%); highest among the groups gnomAD compares: Admixed American, 0.0043%; no homozygotes.

Submissions (2):

Ambry Genetics
Classification: Likely benign for Inborn genetic diseases. Last evaluated: 2025-07-05. Review status: criteria provided, single submitter. Criteria: Ambry Variant Classification Scheme 2023. Collection method: clinical testing. Allele origin: germline.

Labcorp Genetics (formerly Invitae), Labcorp
Classification: Uncertain significance. Last evaluated: 2022-10-27. Review status: criteria provided, single submitter. Criteria: Invitae Variant Classification Sherloc (09022015). Collection method: clinical testing. Allele origin: germline.
Comment: The frequency data for this variant in the population databases is considered unreliable, as metrics indicate poor data quality at this position in the gnomAD database. In summary, the available evidence is currently insufficient to determine the role of this variant in disease. Therefore, it has been classified as a Variant of Uncertain Significance. Algorithms developed to predict the effect of sequence changes on RNA splicing suggest that this variant may create or strengthen a splice site. Algorithms developed to predict the effect of missense changes on protein structure and function are either unavailable or do not agree on the potential impact of this missense change (SIFT: "Deleterious"; PolyPhen-2: "Benign"; Align-GVGD: "Class C0"). This variant has not been reported in the literature in individuals affected with ASXL1-related conditions. This sequence change replaces alanine, which is neutral and non-polar, with valine, which is neutral and non-polar, at codon 14 of the ASXL1 protein (p.Ala14Val).

NM_015338.6(ASXL1):c.41C>T (p.Ala14Val)

Gene: ASXL1 (ASXL transcriptional regulator 1; plus strand). Cytogenetic location: 20q11.21.
Variant type: single nucleotide variant.
Coding change: c.41C>T on transcript NM_015338.6 (MANE Select); coding-DNA position 41, C replaced by T.
Protein change: p.Ala14Val; replaces alanine 14 with valine.
Molecular consequence: missense variant.
Genome position (GRCh38, 1-based): chr20:32,358,816, C>T. VCF-style: chr20-32358816-C-T. GRCh37 (hg19) VCF-style: chr20-30946619-C-T.
Other names: c.41C>T, p.Ala14Val (NM_001164603.1); short protein forms A14V.
Identifiers: ClinVar variation 1716339 (VCV001716339.7), dbSNP rs1365687375, ClinGen allele CA408575401.
Genomic context (GRCh38, chr20:32,358,816, plus strand): 5'-CGCCGCCGCCGGGGAGAAGGATGAAGGACAAACAGAAGAAGAAGAAGGAGCGCACGTGGG[C>T]CGAGGCCGCGCGCCTGGTGAGGCGGACAGCCGAGGGGGGCTCCGTGGGGCCCGGGGTGGG-3'
Protein context (NP_056153.2, residues 4-24): KQKKKKERTW[Ala14Val]EAARLVLENY